The following is an entry in ClinVar:

NM_058216.3(RAD51C):c.45G>C (p.Val15=)

Gene: RAD51C (RAD51 paralog C; plus strand). Cytogenetic location: 17q22.
Variant type: single nucleotide variant.
Coding change: c.45G>C on transcript NM_058216.3 (MANE Select); coding-DNA position 45, G replaced by C.
Protein change: p.Val15=; no amino-acid change (valine 15 retained).
Molecular consequence: synonymous variant. On other transcripts: non-coding transcript variant (1).
Genome position (GRCh38, 1-based): chr17:58,692,688, G>C. VCF-style: chr17-58692688-G-C. GRCh37 (hg19) VCF-style: chr17-56770049-G-C.
Other names: c.45G>C, p.Val15= (NM_002876.4).
Identifiers: ClinVar variation 3903790 (VCV003903790.2).

ClinVar aggregate classification (germline): Benign/Likely benign. Review status: criteria provided, multiple submitters, no conflicts (2 of 4 stars). 2 submissions from 2 submitters: Benign (1); Likely benign (1). Last evaluated 2026-03-17.

Conditions:
Breast-ovarian cancer, familial, susceptibility to, 3. Also called: RAD51C-Related Breast/Ovarian Cancer. Identifiers: Orphanet 145, MedGen C3150659, MONDO:0013253, OMIM 613399.
Hereditary cancer-predisposing syndrome. Also called: Neoplastic Syndromes, Hereditary; Tumor predisposition; Hereditary Cancer Syndrome; Hereditary neoplastic syndrome. Identifiers: Orphanet 140162, MedGen C0027672, MeSH D009386, MONDO:0015356.

Submissions (2):

Ambry Genetics
Classification: Likely benign for Hereditary cancer-predisposing syndrome. Last evaluated: 2026-03-17. Review status: criteria provided, single submitter. Criteria: Ambry Variant Classification Scheme 2023. Collection method: clinical testing. Allele origin: germline.

Myriad Genetics, Inc.
Classification: Benign for Breast-ovarian cancer, familial, susceptibility to, 3. Last evaluated: 2025-02-14. Review status: criteria provided, single submitter. Criteria: Myriad Autosomal Dominant, Autosomal Recessive and X-Linked Classification Criteria (2023). Collection method: clinical testing. Allele origin: unknown.
Comment: This variant is considered benign. This variant is a silent/synonymous amino acid change and it is not expected to impact splicing.